The following is an entry in ClinVar:

ClinVar aggregate classification (germline): Likely benign (1 of 4 stars; one submission).

Conditions:
Catecholaminergic polymorphic ventricular tachycardia (CVPT). Also called: Catecholamine-induced polymorphic ventricular tachycardia. Identifiers: Orphanet 3286, MedGen C5574922, MONDO:0017990.

Allele frequency attached by ClinVar (database versions not stated): gnomAD exomes below 0.00001.
gnomAD v4.1: 2 of 1,612,184 alleles (0.00012%); highest among the groups gnomAD compares: South Asian, 0.0022%; no homozygotes.

Submission:

All of Us Research Program, National Institutes of Health
Classification: Likely benign for Catecholaminergic polymorphic ventricular tachycardia. Last evaluated: 2023-11-02. Review status: criteria provided, single submitter. Criteria: ACMG Guidelines, 2015. Collection method: clinical testing. Allele origin: germline. Inheritance: Autosomal dominant inheritance. Observed: 1 variant allele, 1 heterozygote.
Comment: This study involves interpretation of variants in research participants for the purpose of population health screening. Participant phenotype was not available at the time of variant classification. Additional details can be found in publication PMID: 35346344, PMCID: PMC8962531

NM_001035.3(RYR2):c.8625T>C (p.Asp2875=)

Gene: RYR2 (ryanodine receptor 2; plus strand). Cytogenetic location: 1q43.
Variant type: single nucleotide variant.
Coding change: c.8625T>C on transcript NM_001035.3 (MANE Select); coding-DNA position 8625, T replaced by C.
Protein change: p.Asp2875=; no amino-acid change (aspartic acid 2875 retained).
Molecular consequence: synonymous variant.
Genome position (GRCh38, 1-based): chr1:237,674,130, T>C. VCF-style: chr1-237674130-T-C. GRCh37 (hg19) VCF-style: chr1-237837430-T-C.
Identifiers: ClinVar variation 3074201 (VCV003074201.1), dbSNP rs1179101780, ClinGen allele CA423821360.